The following is an entry in ClinVar:

NM_033026.6(PCLO):c.6122A>C (p.Glu2041Ala)

Gene: PCLO (piccolo presynaptic cytomatrix protein; minus strand). Cytogenetic location: 7q21.11.
Variant type: single nucleotide variant.
Coding change: c.6122A>C on transcript NM_033026.6 (MANE Select); coding-DNA position 6122, A replaced by C.
Protein change: p.Glu2041Ala; replaces glutamic acid 2041 with alanine.
Molecular consequence: missense variant.
Genome position (GRCh38, 1-based): chr7:82,954,831, T>G on the plus strand (A>C on the coding strand, the complement: PCLO is on the minus strand). VCF-style: chr7-82954831-T-G. GRCh37 (hg19) VCF-style: chr7-82584147-T-G.
Other names: c.6122A>C, p.Glu2041Ala (NM_014510.3); short protein forms E2041A.
Identifiers: ClinVar variation 2009340 (VCV002009340.4), dbSNP rs2535703972, ClinGen allele CA367920592.

ClinVar aggregate classification (germline): Uncertain significance (1 of 4 stars; one submission).

Submission:

Labcorp Genetics (formerly Invitae), Labcorp
Classification: Uncertain significance. Last evaluated: 2022-06-22. Review status: criteria provided, single submitter. Criteria: Invitae Variant Classification Sherloc (09022015). Collection method: clinical testing. Allele origin: germline.
Comment: This sequence change replaces glutamic acid, which is acidic and polar, with alanine, which is neutral and non-polar, at codon 2041 of the PCLO protein (p.Glu2041Ala). This variant is not present in population databases (gnomAD no frequency). This variant has not been reported in the literature in individuals affected with PCLO-related conditions. Algorithms developed to predict the effect of missense changes on protein structure and function are either unavailable or do not agree on the potential impact of this missense change (SIFT: "Deleterious"; PolyPhen-2: "Not Available"; Align-GVGD: "Class C0"). In summary, the available evidence is currently insufficient to determine the role of this variant in disease. Therefore, it has been classified as a Variant of Uncertain Significance.